The following is an entry in ClinVar:

ClinVar aggregate classification (germline): Uncertain significance. Review status: criteria provided, multiple submitters, no conflicts (2 of 4 stars). 2 submissions from 2 submitters: Uncertain significance (2). Last evaluated 2026-08-17.

Conditions:
Inborn genetic diseases. Identifiers: MedGen C0950123, MeSH D030342.

Allele frequency attached by ClinVar (database versions not stated): gnomAD exomes below 0.00001; TOPMed below 0.00001.

Submissions (2):

Ambry Genetics
Classification: Uncertain significance for Inborn genetic diseases. Last evaluated: 2026-08-17. Review status: criteria provided, single submitter. Criteria: Ambry Variant Classification Scheme 2023. Collection method: clinical testing. Allele origin: germline.

GeneDx
Classification: Uncertain significance. Last evaluated: 2022-05-04. Review status: criteria provided, single submitter. Criteria: GeneDx Variant Classification Process June 2021. Collection method: clinical testing. Allele origin: germline. Affected: yes.
Comment: Not observed at significant frequency in large population cohorts (gnomAD); In silico analysis supports that this missense variant does not alter protein structure/function; Has not been previously published as pathogenic or benign to our knowledge

NM_018486.3(HDAC8):c.473C>T (p.Ala158Val)

Gene: HDAC8 (histone deacetylase 8; minus strand). Cytogenetic location: Xq13.1.
Variant type: single nucleotide variant.
Coding change: c.473C>T on transcript NM_018486.3 (MANE Select); coding-DNA position 473, C replaced by T.
Protein change: p.Ala158Val; replaces alanine 158 with valine.
Molecular consequence: missense variant. On other transcripts: non-coding transcript variant (1).
Genome position (GRCh38, 1-based): chrX:72,495,233, G>A on the plus strand (C>T on the coding strand, the complement: HDAC8 is on the minus strand). VCF-style: chrX-72495233-G-A. GRCh37 (hg19) VCF-style: chrX-71715083-G-A.
Other names: c.200C>T, p.Ala67Val (NM_001166418.2, NM_001166448.2, NM_001410728.1); c.473C>T, p.Ala158Val (NM_001166419.2, NM_001410725.1, NM_001410727.1 and 2 more transcripts); short protein forms A158V, A67V.
Identifiers: ClinVar variation 1722808 (VCV001722808.3), dbSNP rs192109344, ClinGen allele CA413640212.